The following is an entry in ClinVar:

NM_002354.3(EPCAM):c.940G>C (p.Ala314Pro)

Gene: EPCAM (epithelial cell adhesion molecule; plus strand). Cytogenetic location: 2p21.
Variant type: single nucleotide variant.
Coding change: c.940G>C on transcript NM_002354.3 (MANE Select); coding-DNA position 940, G replaced by C.
Protein change: p.Ala314Pro; replaces alanine 314 with proline.
Molecular consequence: missense variant.
Genome position (GRCh38, 1-based): chr2:47,386,608, G>C. VCF-style: chr2-47386608-G-C. GRCh37 (hg19) VCF-style: chr2-47613747-G-C.
Other names: short protein forms A314P.
Identifiers: ClinVar variation 1766884 (VCV001766884.3), dbSNP rs959971996, ClinGen allele CA346725999.

ClinVar aggregate classification (germline): Uncertain significance (1 of 4 stars; one submission).

Conditions:
Hereditary cancer-predisposing syndrome. Also called: Hereditary Cancer Syndrome; Hereditary neoplastic syndrome; Neoplastic Syndromes, Hereditary; Tumor predisposition. Identifiers: Orphanet 140162, MedGen C0027672, MeSH D009386, MONDO:0015356.

gnomAD v4.1: 2 of 1,602,736 alleles (0.00012%); highest among the groups gnomAD compares: Non-Finnish European, 0.00017%; no homozygotes.

Submission:

Ambry Genetics
Classification: Uncertain significance for Hereditary cancer-predisposing syndrome. Last evaluated: 2022-04-19. Review status: criteria provided, single submitter. Criteria: Ambry Variant Classification Scheme 2023. Collection method: clinical testing. Allele origin: germline.
Comment: The p.A314P variant (also known as c.940G>C), located in coding exon 9 of the EPCAM gene, results from a G to C substitution at nucleotide position 940. The alanine at codon 314 is replaced by proline, an amino acid with highly similar properties. This amino acid position is conserved. In addition, this alteration is predicted to be tolerated by in silico analysis. Since supporting evidence is limited at this time, the clinical significance of this alteration remains unclear.